The following is an entry in ClinVar:

ClinVar aggregate classification (germline): Pathogenic (1 of 4 stars; one submission).

Conditions:
X-linked mixed hearing loss with perilymphatic gusher. Also called: Deafness, X-linked 2; NANCE DEAFNESS; PERILYMPHATIC GUSHER-DEAFNESS SYNDROME; SENSORINEURAL DEAFNESS, PROFOUND, WITH OR WITHOUT A CONDUCTIVE COMPONENT, ASSOCIATED WITH A UNIQUE DEVELOPMENTAL ABNORMALITY OF THE EAR; Gusher syndrome. Identifiers: Orphanet 383, MedGen C1844678, MONDO:0010576, OMIM 304400.

Submission:

Institute of Rare Diseases, West China Hospital, Sichuan University
Classification: Pathogenic for X-linked mixed hearing loss with perilymphatic gusher. Last evaluated: 2025-01-09. Review status: criteria provided, single submitter. Criteria: ClinGen HL ACMG Specifications v1. Collection method: research. Allele origin: germline. Affected: yes.
Comment: PVS1;PM3_Supporting;PP4;PM2_Supporting

NM_000307.5(POU3F4):c.101del (p.Pro34fs)

Gene: POU3F4 (POU class 3 homeobox 4; plus strand). Cytogenetic location: Xq21.1.
Variant type: Deletion.
Coding change: c.101del on transcript NM_000307.5 (MANE Select); coding-DNA position 101, one base deleted (C; older notation c.101delC).
Protein change: p.Pro34fs; shifts the reading frame from proline 34.
Molecular consequence: frameshift variant.
Genome position (GRCh38, 1-based): chrX:83,508,425, C deleted; the last of 3 consecutive C bases (chrX:83,508,423-83,508,425); deleting any one gives the same sequence. VCF-style (leftmost placement, unchanged base first): chrX-83508422-AC-A. GRCh37 (hg19) VCF-style: chrX-82763430-AC-A.
Other names: short protein forms P34fs.
Identifiers: ClinVar variation 3601642 (VCV003601642.1).
Genomic context (GRCh38, chrX:83,508,422, plus strand): 5'-GTTCCACCTCCCTAGTCCATGCGGACTCTGCGGGCATGCAGCAGGGGAGTCCTTTCCGCA[AC>A]CCTCAGAAACTTCTCCAAAGTGATTACTTGCAGGGAGTTCCCAGCAATGGGCATCCCCTC-3'